The following is an entry in ClinVar:

NM_201525.4(ADGRG1):c.272G>C (p.Cys91Ser)

Gene: ADGRG1 (adhesion G protein-coupled receptor G1; plus strand). Cytogenetic location: 16q21.
Variant type: single nucleotide variant.
Coding change: c.272G>C on transcript NM_201525.4 (MANE Select); coding-DNA position 272, G replaced by C.
Protein change: p.Cys91Ser; replaces cysteine 91 with serine.
Molecular consequence: missense variant. On other transcripts: 5 prime UTR variant (5), intron variant (1).
Genome position (GRCh38, 1-based): chr16:57,651,407, G>C. VCF-style: chr16-57651407-G-C. GRCh37 (hg19) VCF-style: chr16-57685319-G-C.
Other names: c.272G>C, p.Cys91Ser (NM_001145770.3, NM_001145771.3, NM_001145772.3 and 16 more transcripts); c.287G>C, p.Cys96Ser (NM_001145773.3, NM_001370433.1); c.-254G>C (NM_001290143.2, NM_001290144.2, NM_001370451.1 and 2 more transcripts); c.116G>C, p.Cys39Ser (NM_001370442.1); c.110+162G>C (NM_001290142.2); short protein forms C91S, C39S, C96S.
Identifiers: ClinVar variation 5832 (VCV000005832.10), dbSNP rs121908465, ClinGen allele CA253613.

ClinVar aggregate classification (germline): Pathogenic/Likely pathogenic. Review status: criteria provided, multiple submitters, no conflicts (2 of 4 stars). 3 submissions from 3 submitters: Pathogenic (1); Likely pathogenic (1). 1 of the submissions does not count toward it. Last evaluated 2019-04-07.

Conditions:
Bilateral frontoparietal polymicrogyria. Also called: CEREBELLAR ATAXIA WITH NEURONAL MIGRATION DEFECT; CORTICAL DYSPLASIA, COMPLEX, WITH OTHER BRAIN MALFORMATIONS 14A (BILATERAL FRONTOPARIETAL). Identifiers: Orphanet 101070, MedGen C1847352, MONDO:0011738, OMIM 606854.

Allele frequency attached by ClinVar (database versions not stated): gnomAD exomes below 0.00001.
gnomAD v4.1: 1 of 1,614,158 alleles (0.000062%); highest among the groups gnomAD compares: Middle Eastern, 0.016%; no homozygotes.

Submissions (3):

Mayo Clinic Laboratories, Mayo Clinic
Classification: Likely pathogenic. Last evaluated: 2019-04-07. Review status: criteria provided, single submitter. Criteria: ACMG Guidelines, 2015. Collection method: clinical testing. Allele origin: germline. Observed: 1 variant allele.
Comment: PS3, PM2

GeneDx
Classification: Pathogenic. Last evaluated: 2016-09-13. Review status: criteria provided, single submitter. Criteria: GeneDx Variant Classification (06012015). Collection method: clinical testing. Allele origin: germline. Affected: yes.
Comment: The C91S pathogenic variant in the ADGRG1 gene has been reported previously as a homozygous variant in an individual with bilateral frontoparietal polymicrogyria (BFPP) (Piao et al., 2004). Functional studies suggest that C91S results in reduced or absent ligand binding of the GPR56 protein (Chiang et al., 2011; Luo et al., 2012). It was not observed in approximately 6,500 individuals of European and African American ancestry in the NHLBI Exome Sequencing Project, indicating it is not a common benign variant in these populations. The C91S variant is a non-conservative amino acid substitution, which is likely to impact secondary protein structure as these residues differ in polarity, charge, size and/or other properties. This substitution occurs at a position that is conserved across species. Therefore, C91S is considered to be a pathogenic variant.

OMIM
Classification: Pathogenic for CORTICAL DYSPLASIA, COMPLEX, WITH OTHER BRAIN MALFORMATIONS 14A (BILATERAL FRONTOPARIETAL). Last evaluated: 2004-03-26. Review status: no assertion criteria provided. Collection method: literature only. Allele origin: germline. Not counted in ClinVar's aggregate classification.

Literature cited by the submitters: PubMed 15044805 (cited by Mayo Clinic Laboratories, Mayo Clinic and OMIM); PubMed 21349848 (cited by Mayo Clinic Laboratories, Mayo Clinic); PubMed 22238662 (cited by Mayo Clinic Laboratories, Mayo Clinic); PubMed 28424266 (cited by Mayo Clinic Laboratories, Mayo Clinic); PubMed 27657451 (cited by Mayo Clinic Laboratories, Mayo Clinic).